The following is an entry in ClinVar:

NM_015214.3(DDHD2):c.662A>G (p.His221Arg)

Gene: DDHD2 (DDHD domain containing 2; plus strand). Cytogenetic location: 8p11.23.
Variant type: single nucleotide variant.
Coding change: c.662A>G on transcript NM_015214.3 (MANE Select); coding-DNA position 662, A replaced by G.
Protein change: p.His221Arg; replaces histidine 221 with arginine.
Molecular consequence: missense variant. On other transcripts: non-coding transcript variant (2), intron variant (1).
Genome position (GRCh38, 1-based): chr8:38,240,314, A>G. VCF-style: chr8-38240314-A-G. GRCh37 (hg19) VCF-style: chr8-38097832-A-G.
Other names: c.662A>G, p.His221Arg (NM_001362911.2, NM_001362912.2, NM_001362914.2 and 1 more transcripts); c.623-1936A>G (NM_001362913.2); short protein forms H221R.
Identifiers: ClinVar variation 2073704 (VCV002073704.4), dbSNP rs2486830889, ClinGen allele CA370717732.

ClinVar aggregate classification (germline): Uncertain significance (1 of 4 stars; one submission).

Conditions:
Hereditary spastic paraplegia 54. Also called: Spastic paraplegia 54, autosomal recessive. Identifiers: Orphanet 320380, MedGen C3539495, MONDO:0014018, OMIM 615033.

Submission:

Labcorp Genetics (formerly Invitae), Labcorp
Classification: Uncertain significance for Hereditary spastic paraplegia 54. Last evaluated: 2022-01-12. Review status: criteria provided, single submitter. Criteria: Invitae Variant Classification Sherloc (09022015). Collection method: clinical testing. Allele origin: germline.
Comment: In summary, the available evidence is currently insufficient to determine the role of this variant in disease. Therefore, it has been classified as a Variant of Uncertain Significance. Algorithms developed to predict the effect of missense changes on protein structure and function are either unavailable or do not agree on the potential impact of this missense change (SIFT: "Deleterious"; PolyPhen-2: "Probably Damaging"; Align-GVGD: "Class C0"). This variant has not been reported in the literature in individuals affected with DDHD2-related conditions. This variant is not present in population databases (gnomAD no frequency). This sequence change replaces histidine, which is basic and polar, with arginine, which is basic and polar, at codon 221 of the DDHD2 protein (p.His221Arg).